The following is an entry in ClinVar:

NM_201384.3(PLEC):c.5572G>A (p.Glu1858Lys)

Gene: PLEC (plectin; minus strand). Cytogenetic location: 8q24.3.
Variant type: single nucleotide variant.
Coding change: c.5572G>A on transcript NM_201384.3 (MANE Select); coding-DNA position 5572, G replaced by A.
Protein change: p.Glu1858Lys; replaces glutamic acid 1858 with lysine.
Molecular consequence: missense variant.
Genome position (GRCh38, 1-based): chr8:143,924,357, C>T on the plus strand (G>A on the coding strand, the complement: PLEC is on the minus strand). VCF-style: chr8-143924357-C-T. GRCh37 (hg19) VCF-style: chr8-144998525-C-T.
Other names: c.5653G>A, p.Glu1885Lys (NM_000445.5); c.5530G>A, p.Glu1844Lys (NM_201378.4); c.5506G>A, p.Glu1836Lys (NM_201379.3); c.5983G>A, p.Glu1995Lys (NM_201380.4); c.5476G>A, p.Glu1826Lys (NM_201381.3); c.5572G>A, p.Glu1858Lys (NM_201382.4); c.5584G>A, p.Glu1862Lys (NM_201383.3); short protein forms E1836K, E1844K, E1885K, E1862K, E1995K, E1826K, E1858K.
Identifiers: ClinVar variation 1404828 (VCV001404828.8), dbSNP rs1379680879, ClinGen allele CA372543682.

ClinVar aggregate classification (germline): Uncertain significance (1 of 4 stars; one submission).

Conditions:
Epidermolysis bullosa simplex 5C, with pyloric atresia (EBS5C). Also called: Epidermolysis bullosa simplex with pyloric atresia; PLEC-Related Epidermolysis Bullosa with Pyloric Atresia; PLEC1-Related Epidermolysis Bullosa with Pyloric Atresia. Identifiers: Orphanet 158684, MedGen C2677349, MONDO:0012807, OMIM 612138.
Epidermolysis bullosa simplex with nail dystrophy (EBS5D). Identifiers: MedGen C4225309, MONDO:0014661, OMIM 616487.
Epidermolysis bullosa simplex 5B, with muscular dystrophy (EBS5B). Also called: Epidermolysis bullosa simplex with muscular dystrophy; EPIDERMOLYSIS BULLOSA SIMPLEX AND LIMB-GIRDLE MUSCULAR DYSTROPHY. Identifiers: Orphanet 257, MedGen C2931072, MONDO:0009181, OMIM 226670.
Autosomal recessive limb-girdle muscular dystrophy type 2Q (LGMDR17). Also called: MUSCULAR DYSTROPHY, LIMB-GIRDLE, AUTOSOMAL RECESSIVE 17. Identifiers: Orphanet 254361, MedGen C3150989, MONDO:0013390, OMIM 613723.
Epidermolysis bullosa simplex, Ogna type (EBS5A). Also called: Pidermolysis bullosa simplex 5A, Ogna type; EPIDERMOLYSIS BULLOSA SIMPLEX 5A, OGNA TYPE. Identifiers: Orphanet 79401, MedGen C0432317, MONDO:0007555, OMIM 131950.

Allele frequency attached by ClinVar (database versions not stated): gnomAD exomes below 0.00001; gnomAD 0.00001; TOPMed 0.00002.
gnomAD v4.1: 3 of 1,596,996 alleles (0.00019%); highest among the groups gnomAD compares: African/African-American, 0.004%; no homozygotes.

Submission:

Labcorp Genetics (formerly Invitae), Labcorp
Classification: Uncertain significance for Autosomal recessive limb-girdle muscular dystrophy type 2Q; Epidermolysis bullosa simplex, Ogna type; Epidermolysis bullosa simplex with nail dystrophy; Epidermolysis bullosa simplex 5C, with pyloric atresia; Epidermolysis bullosa simplex 5B, with muscular dystrophy. Last evaluated: 2021-04-19. Review status: criteria provided, single submitter. Criteria: Invitae Variant Classification Sherloc (09022015). Collection method: clinical testing. Allele origin: germline.
Comment: In summary, the available evidence is currently insufficient to determine the role of this variant in disease. Therefore, it has been classified as a Variant of Uncertain Significance. Algorithms developed to predict the effect of missense changes on protein structure and function are either unavailable or do not agree on the potential impact of this missense change (SIFT: "Tolerated"; PolyPhen-2: "Not Available"; Align-GVGD: "Class C0"). This variant has not been reported in the literature in individuals with PLEC-related conditions. This variant is not present in population databases (ExAC no frequency). This sequence change replaces glutamic acid with lysine at codon 1885 of the PLEC protein (p.Glu1885Lys). The glutamic acid residue is highly conserved and there is a small physicochemical difference between glutamic acid and lysine.